The following is an entry in ClinVar:

NM_013432.5(TONSL):c.3726C>G (p.Tyr1242Ter)

Gene: TONSL (tonsoku like, DNA repair protein; minus strand). Cytogenetic location: 8q24.3.
Variant type: single nucleotide variant.
Coding change: c.3726C>G on transcript NM_013432.5 (MANE Select); coding-DNA position 3726, C replaced by G.
Protein change: p.Tyr1242Ter; replaces tyrosine 1242 with a stop codon.
Molecular consequence: nonsense.
Genome position (GRCh38, 1-based): chr8:144,432,294, G>C on the plus strand (C>G on the coding strand, the complement: TONSL is on the minus strand). VCF-style: chr8-144432294-G-C. GRCh37 (hg19) VCF-style: chr8-145657677-G-C.
Other names: short protein forms Y1242*.
Identifiers: ClinVar variation 3613285 (VCV003613285.2).

ClinVar aggregate classification (germline): Pathogenic (1 of 4 stars; one submission).

gnomAD v4.1: 4 of 1,613,636 alleles (0.00025%); highest among the groups gnomAD compares: Non-Finnish European, 0.00034%; no homozygotes.

Submission:

Labcorp Genetics (formerly Invitae), Labcorp
Classification: Pathogenic. Last evaluated: 2024-08-31. Review status: criteria provided, single submitter. Criteria: Invitae Variant Classification Sherloc (09022015). Collection method: clinical testing. Allele origin: germline.
Comment: This sequence change creates a premature translational stop signal (p.Tyr1242*) in the TONSL gene. It is expected to result in an absent or disrupted protein product. Loss-of-function variants in TONSL are known to be pathogenic (PMID: 30773277). This variant is not present in population databases (gnomAD no frequency). This variant has not been reported in the literature in individuals affected with TONSL-related conditions. For these reasons, this variant has been classified as Pathogenic.

Literature cited by the submitters: PubMed 30773277.